The following is an entry in ClinVar:

ClinVar aggregate classification (germline): Benign. Review status: criteria provided, multiple submitters, no conflicts (2 of 4 stars). 3 submissions from 3 submitters: Benign (3). Last evaluated 2018-01-12.

Conditions:
Ataxia-telangiectasia-like disorder 1 (ATLD1). Identifiers: Orphanet 251347, MedGen C4012790, MONDO:0024557, OMIM 604391.

Allele frequency attached by ClinVar (database versions not stated): 1000 Genomes Project 0.02716; 1000 Genomes Project 30x 0.02904; gnomAD exomes 0.04167; TOPMed 0.05542; gnomAD 0.06142.
gnomAD v4.1: 8,741 of 152,356 alleles (5.7%); highest among the groups gnomAD compares: Non-Finnish European, 9.1%; 370 homozygotes.

Submissions (17):

Illumina Laboratory Services, Illumina
Classification: Benign for Ataxia-telangiectasia-like disorder 1. Last evaluated: 2018-01-12. Review status: criteria provided, single submitter. Criteria: ICSL Variant Classification Criteria 13 December 2019. Collection method: clinical testing. Allele origin: germline.
Comment: This variant was observed in the ICSL laboratory as part of a predisposition screen in an ostensibly healthy population. It had not been previously curated by ICSL or reported in the Human Gene Mutation Database (HGMD: prior to June 1st, 2018), and was therefore a candidate for classification through an automated scoring system. Utilizing variant allele frequency, disease prevalence and penetrance estimates, and inheritance mode, an automated score was calculated to assess if this variant is too frequent to cause the disease. Based on the score and internal cut-off values, a variant classified as benign is not then subjected to further curation. The score for this variant resulted in a classification of benign for this disease.

GeneDx
Classification: Benign. Last evaluated: 2015-03-03. Review status: criteria provided, single submitter. Criteria: GeneDx Variant Classification Process June 2021. Collection method: clinical testing. Allele origin: germline. Affected: yes.

Breakthrough Genomics
Classification: Benign. Review status: criteria provided, single submitter. Criteria: ACMG Guidelines, 2015. Collection method: not provided. Allele origin: germline. Inheritance: Autosomal recessive inheritance. Affected: yes.

Dr. Peter K. Rogan Lab, Western University
No classification provided (evidence only). Condition: Acute myeloid leukemia. Review status: no classification provided. Collection method: in vitro. Allele origin: not applicable. Functional consequence: retained intron. Not counted in ClinVar's aggregate classification.

Dr. Peter K. Rogan Lab, Western University
No classification provided (evidence only). Condition: Acute myeloid leukemia. Review status: no classification provided. Collection method: in vitro. Allele origin: not applicable. Functional consequence: retained intron. Not counted in ClinVar's aggregate classification.

Dr. Peter K. Rogan Lab, Western University
No classification provided (evidence only). Condition: Acute myeloid leukemia. Review status: no classification provided. Collection method: in vitro. Allele origin: not applicable. Functional consequence: retained intron. Not counted in ClinVar's aggregate classification.

Dr. Peter K. Rogan Lab, Western University
No classification provided (evidence only). Condition: Acute myeloid leukemia. Review status: no classification provided. Collection method: in vitro. Allele origin: not applicable. Functional consequence: retained intron. Not counted in ClinVar's aggregate classification.

Dr. Peter K. Rogan Lab, Western University
No classification provided (evidence only). Condition: Acute myeloid leukemia. Review status: no classification provided. Collection method: in vitro. Allele origin: not applicable. Functional consequence: retained intron. Not counted in ClinVar's aggregate classification.

Dr. Peter K. Rogan Lab, Western University
No classification provided (evidence only). Condition: Acute myeloid leukemia. Review status: no classification provided. Collection method: in vitro. Allele origin: not applicable. Functional consequence: retained intron. Not counted in ClinVar's aggregate classification.

Dr. Peter K. Rogan Lab, Western University
No classification provided (evidence only). Condition: Acute myeloid leukemia. Review status: no classification provided. Collection method: in vitro. Allele origin: not applicable. Functional consequence: retained intron. Not counted in ClinVar's aggregate classification.

Dr. Peter K. Rogan Lab, Western University
No classification provided (evidence only). Condition: Uterine corpus endometrial carcinoma. Review status: no classification provided. Collection method: in vitro. Allele origin: not applicable. Functional consequence: retained intron. Not counted in ClinVar's aggregate classification.

Dr. Peter K. Rogan Lab, Western University
No classification provided (evidence only). Condition: Thymoma. Review status: no classification provided. Collection method: in vitro. Allele origin: not applicable. Functional consequence: retained intron. Not counted in ClinVar's aggregate classification.

Dr. Peter K. Rogan Lab, Western University
No classification provided (evidence only). Condition: Uterine carcinosarcoma. Review status: no classification provided. Collection method: in vitro. Allele origin: not applicable. Functional consequence: retained intron. Not counted in ClinVar's aggregate classification.

Dr. Peter K. Rogan Lab, Western University
No classification provided (evidence only). Condition: Lymphoma. Review status: no classification provided. Collection method: in vitro. Allele origin: not applicable. Functional consequence: retained intron. Not counted in ClinVar's aggregate classification.

Dr. Peter K. Rogan Lab, Western University
No classification provided (evidence only). Condition: Lymphoma. Review status: no classification provided. Collection method: in vitro. Allele origin: not applicable. Functional consequence: retained intron. Not counted in ClinVar's aggregate classification.

Dr. Peter K. Rogan Lab, Western University
No classification provided (evidence only). Condition: Lymphoma. Review status: no classification provided. Collection method: in vitro. Allele origin: not applicable. Functional consequence: retained intron. Not counted in ClinVar's aggregate classification.

Dr. Peter K. Rogan Lab, Western University
No classification provided (evidence only). Condition: Lymphoma. Review status: no classification provided. Collection method: in vitro. Allele origin: not applicable. Functional consequence: retained intron. Not counted in ClinVar's aggregate classification.

NM_005591.4(MRE11):c.-106+5G>A

Gene: MRE11 (MRE11 double strand break repair nuclease; minus strand). Cytogenetic location: 11q21.
Variant type: single nucleotide variant.
Coding change: c.-106+5G>A on transcript NM_005591.4 (MANE Select); 5 bases into the intron after 106 bases upstream of the start codon, G replaced by A.
Molecular consequence: intron variant. On other transcripts: 5 prime UTR variant (1).
Genome position (GRCh38, 1-based): chr11:94,493,786, C>T on the plus strand (G>A on the coding strand, the complement: MRE11 is on the minus strand). VCF-style: chr11-94493786-C-T. GRCh37 (hg19) VCF-style: chr11-94226952-C-T.
Other names: NC_000011.9:g.94226952C>T; c.-208G>A (NM_005590.4); c.-106+5G>A (NM_001330347.2).
Identifiers: ClinVar variation 306498 (VCV000306498.9), dbSNP rs1805363, ClinGen allele CA10640517.
Genomic context (GRCh38, chr11:94,493,786, plus strand): 5'-GCTGTCTTCTTTTCGGGAAGAAAGGGCAGGATCCGTGAAAAGAAAACAACACGGTCTGAA[C>T]TTGCCTCTGAGAACCCGCAGGGCCGTAAACCTGAATTCCGCGGGAGAGAACGGCGTCCGT-3'